The following is an entry in ClinVar:

ClinVar aggregate classification (germline): Likely benign (1 of 4 stars; one submission).

Submission:

Women's Health and Genetics/Laboratory Corporation of America, LabCorp
Classification: Likely benign. Last evaluated: 2024-01-15. Review status: criteria provided, single submitter. Criteria: LabCorp Variant Classification Summary - May 2015. Collection method: clinical testing. Allele origin: germline.
Comment: Variant summary: PDHA1 c.510+19dupT alters a non-conserved nucleotide located at a position not widely known to affect splicing. Consensus agreement among computation tools predict no significant impact on normal splicing. However, these predictions have yet to be confirmed by functional studies. The variant was absent in 183379 control chromosomes. The available data on variant occurrences in the general population are insufficient to allow any conclusion about variant significance. To our knowledge, no occurrence of c.510+19dupT in individuals affected with Pyruvate Dehydrogenase Deficiency and no experimental evidence demonstrating its impact on protein function have been reported. No submitters have cited clinical-significance assessments for this variant to ClinVar. Based on the evidence outlined above, the variant was classified as likely benign.

NM_000284.4(PDHA1):c.510+19dup

Gene: PDHA1 (pyruvate dehydrogenase E1 subunit alpha 1; plus strand). Cytogenetic location: Xp22.12.
Variant type: Duplication.
Coding change: c.510+19dup on transcript NM_000284.4 (MANE Select); 19 bases into the intron after coding-DNA position 510, one base duplicated (T; older notation c.510+19dupT).
Molecular consequence: intron variant.
Genome position (GRCh38, 1-based): chrX:19,353,192, T duplicated; the last of 2 consecutive T bases (chrX:19,353,191-19,353,192); duplicating either gives the same sequence. VCF-style (leftmost placement, unchanged base first): chrX-19353190-A-AT. GRCh37 (hg19) VCF-style: chrX-19371308-A-AT.
Other names: c.624+19dup (NM_001173454.2); c.531+19dup (NM_001173455.2); c.510+19dup (NM_001173456.2); c.510+19dupT (NM_000284.4).
Identifiers: ClinVar variation 3063910 (VCV003063910.1), dbSNP rs2518497166, ClinGen allele CA2740092061.